The following is an entry in ClinVar:

NM_000264.5(PTCH1):c.2773_2776delinsTAC (p.Ala925fs)

Gene: PTCH1 (patched 1; minus strand). Cytogenetic location: 9q22.32.
Variant type: Indel.
Coding change: c.2773_2776delinsTAC on transcript NM_000264.5 (MANE Select); coding-DNA positions 2773 to 2776, GCTT replaced by TAC.
Protein change: p.Ala925fs; shifts the reading frame from alanine 925.
Molecular consequence: frameshift variant. On other transcripts: non-coding transcript variant (1).
Genome position (GRCh38, 1-based): chr9:95,459,711-95,459,714, AAGC replaced by GTA on the plus strand (GCTT replaced by TAC on the coding strand, the reverse complement: PTCH1 is on the minus strand). VCF-style: chr9-95459711-AAGC-GTA. GRCh37 (hg19) VCF-style: chr9-98221993-AAGC-GTA.
Other names: c.2617_2620delinsTAC, p.Ala873fs (NM_001354918.2); c.2770_2773delinsTAC, p.Ala924fs (NM_001083603.3); c.2320_2323delinsTAC, p.Ala774fs (NM_001083604.3, NM_001083605.3, NM_001083606.3 and 1 more transcripts); c.2575_2578delinsTAC, p.Ala859fs (NM_001083602.3); short protein forms A774fs, A873fs, A924fs, A859fs, A925fs.
Identifiers: ClinVar variation 2109003 (VCV002109003.4), dbSNP rs2538079969, ClinGen allele CA2580080781.
Genomic context (GRCh38, chr9:95,459,711, plus strand): 5'-GTCGGTGTGGCCGGATGTTGGCCTGGGAGGCAGCATACGCGACGGGGTCGTTGCTGACCC[AAGC>GTA]CGTCAGGTAGATGTAGAAAGCGCTGGGATTAATGATGCCATCTGCATCCACCAGACGCTG-3'

ClinVar aggregate classification (germline): Pathogenic (1 of 4 stars; one submission).

Conditions:
Gorlin syndrome. Also called: Basal cell nevus syndrome; Nevoid Basal Cell Carcinoma Syndrome. Identifiers: Orphanet 377, MedGen C0004779, MONDO:0007187.

Submission:

Labcorp Genetics (formerly Invitae), Labcorp
Classification: Pathogenic for Gorlin syndrome. Last evaluated: 2022-03-11. Review status: criteria provided, single submitter. Criteria: Invitae Variant Classification Sherloc (09022015). Collection method: clinical testing. Allele origin: germline.
Comment: This variant has not been reported in the literature in individuals affected with PTCH1-related conditions. For these reasons, this variant has been classified as Pathogenic. This variant is not present in population databases (gnomAD no frequency). This sequence change creates a premature translational stop signal (p.Ala925Tyrfs*37) in the PTCH1 gene. It is expected to result in an absent or disrupted protein product. Loss-of-function variants in PTCH1 are known to be pathogenic (PMID: 16301862, 16419085).

Literature cited by the submitters: PubMed 16301862; PubMed 16419085.